The following is an entry in ClinVar:

ClinVar aggregate classification (germline): Uncertain significance. Review status: criteria provided, multiple submitters, no conflicts (2 of 4 stars). 2 submissions from 2 submitters: Uncertain significance (2). Last evaluated 2023-11-29.

Conditions:
Familial thoracic aortic aneurysm and aortic dissection (TAAD). Also called: Thoracic aortic aneurysms and dissections. Identifiers: Orphanet 91387, MedGen C4707243, MONDO:0019625.
Aortic aneurysm, familial thoracic 7 (AAT7). Also called: AORTIC DISSECTION, FAMILIAL, WITH OR WITHOUT AORTIC ANEURYSM. Identifiers: MedGen C3151077, MONDO:0013418, OMIM 613780.

Allele frequency attached by ClinVar (database versions not stated): gnomAD 0.00001; TOPMed 0.00001.
gnomAD v4.1: 1 of 1,614,062 alleles (0.000062%); highest among the groups gnomAD compares: African/African-American, 0.0013%; no homozygotes.

Submissions (2):

Labcorp Genetics (formerly Invitae), Labcorp
Classification: Uncertain significance for Aortic aneurysm, familial thoracic 7. Last evaluated: 2023-11-29. Review status: criteria provided, single submitter. Criteria: Invitae Variant Classification Sherloc (09022015). Collection method: clinical testing. Allele origin: germline.
Comment: This sequence change replaces glutamic acid, which is acidic and polar, with lysine, which is basic and polar, at codon 511 of the MYLK protein (p.Glu511Lys). This variant is present in population databases (no rsID available, gnomAD 0.007%). This variant has not been reported in the literature in individuals affected with MYLK-related conditions. ClinVar contains an entry for this variant (Variation ID: 2240509). Advanced modeling of protein sequence and biophysical properties (such as structural, functional, and spatial information, amino acid conservation, physicochemical variation, residue mobility, and thermodynamic stability) performed at Invitae indicates that this missense variant is not expected to disrupt MYLK protein function with a negative predictive value of 80%. In summary, the available evidence is currently insufficient to determine the role of this variant in disease. Therefore, it has been classified as a Variant of Uncertain Significance.

Ambry Genetics
Classification: Uncertain significance for Familial thoracic aortic aneurysm and aortic dissection. Last evaluated: 2021-08-02. Review status: criteria provided, single submitter. Criteria: Ambry Variant Classification Scheme 2023. Collection method: clinical testing. Allele origin: germline.

NM_053025.4(MYLK):c.1531G>A (p.Glu511Lys)

Gene: MYLK (myosin light chain kinase; minus strand). Cytogenetic location: 3q21.1.
Variant type: single nucleotide variant.
Coding change: c.1531G>A on transcript NM_053025.4 (MANE Select); coding-DNA position 1531, G replaced by A.
Protein change: p.Glu511Lys; replaces glutamic acid 511 with lysine.
Molecular consequence: missense variant.
Genome position (GRCh38, 1-based): chr3:123,726,064, C>T on the plus strand (G>A on the coding strand, the complement: MYLK is on the minus strand). VCF-style: chr3-123726064-C-T. GRCh37 (hg19) VCF-style: chr3-123444911-C-T.
Other names: c.1003G>A, p.Glu335Lys (NM_001321309.2); c.1324G>A, p.Glu442Lys (NM_053026.4, NM_053028.4); c.1531G>A, p.Glu511Lys (NM_053027.4); short protein forms E335K, E442K, E511K.
Identifiers: ClinVar variation 2240509 (VCV002240509.5), dbSNP rs1201059221, ClinGen allele CA354235944.